The following is an entry in ClinVar:

ClinVar aggregate classification (germline): Uncertain significance. Review status: criteria provided, multiple submitters, no conflicts (2 of 4 stars). 2 submissions from 2 submitters: Uncertain significance (2). Last evaluated 2025-07-06.

Submissions (2):

GeneDx
Classification: Uncertain significance. Last evaluated: 2025-07-06. Review status: criteria provided, single submitter. Criteria: GeneDx Variant Classification Process June 2021. Collection method: clinical testing. Allele origin: germline. Affected: yes.
Comment: In-frame insertion of 1 amino acids in a repetitive region with no known function; Has not been previously published as pathogenic or benign to our knowledge

Labcorp Genetics (formerly Invitae), Labcorp
Classification: Uncertain significance. Last evaluated: 2024-01-02. Review status: criteria provided, single submitter. Criteria: Invitae Variant Classification Sherloc (09022015). Collection method: clinical testing. Allele origin: germline.
Comment: This variant, c.489_491dup, results in the insertion of 1 amino acid(s) of the TPRN protein (p.Pro164dup), but otherwise preserves the integrity of the reading frame. The frequency data for this variant in the population databases is considered unreliable, as metrics indicate poor data quality at this position in the gnomAD database. This variant has not been reported in the literature in individuals affected with TPRN-related conditions. ClinVar contains an entry for this variant (Variation ID: 1301457). In summary, the available evidence is currently insufficient to determine the role of this variant in disease. Therefore, it has been classified as a Variant of Uncertain Significance.

NM_001128228.3(TPRN):c.474GCC[7] (p.Pro164dup)

Gene: TPRN (taperin; minus strand). Cytogenetic location: 9q34.3.
Variant type: Microsatellite.
Coding change: c.474GCC[7] on transcript NM_001128228.3 (MANE Select); seven copies in a row of the 3-base unit GCC starting at c.474; the reference has six copies in a row; one copy, 3 bases duplicated.
Protein change: p.Pro164dup; duplicates proline 164.
Molecular consequence: inframe insertion.
Genome position (GRCh38, 1-based): chr9:137,200,221-137,200,223, GGC duplicated on the plus strand (GCC on the coding strand, the reverse complement: TPRN is on the minus strand); duplicating any 3 consecutive bases within chr9:137,200,221-137,200,240 gives the same sequence; the position shown is the placement nearest the transcript's 3' end. VCF-style (leftmost placement, unchanged base first): chr9-137200220-G-GGGC. GRCh37 (hg19) VCF-style: chr9-140094672-G-GGGC.
Identifiers: ClinVar variation 1301457 (VCV001301457.7), dbSNP rs957768814, ClinGen allele CA591373072.